The following is an entry in ClinVar:

NM_002397.5(MEF2C):c.40G>C (p.Glu14Gln)

Gene: MEF2C (myocyte enhancer factor 2C; minus strand). Cytogenetic location: 5q14.3.
Variant type: single nucleotide variant.
Coding change: c.40G>C on transcript NM_002397.5 (MANE Select); coding-DNA position 40, G replaced by C.
Protein change: p.Glu14Gln; replaces glutamic acid 14 with glutamine.
Molecular consequence: missense variant.
Genome position (GRCh38, 1-based): chr5:88,823,749, C>G on the plus strand (G>C on the coding strand, the complement: MEF2C is on the minus strand). VCF-style: chr5-88823749-C-G. GRCh37 (hg19) VCF-style: chr5-88119566-C-G.
Other names: c.40G>C, p.Glu14Gln (NM_001131005.2, NM_001193347.1, NM_001193348.1 and 29 more transcripts); short protein forms E14Q.
Identifiers: ClinVar variation 3394725 (VCV003394725.1).

ClinVar aggregate classification (germline): Uncertain significance (1 of 4 stars; one submission).

Conditions:
Inborn genetic diseases. Identifiers: MedGen C0950123, MeSH D030342.

Submission:

Ambry Genetics
Classification: Uncertain significance for Inborn genetic diseases. Last evaluated: 2024-10-29. Review status: criteria provided, single submitter. Criteria: Ambry Variant Classification Scheme 2023. Collection method: clinical testing. Allele origin: germline.
Comment: The c.40G>C (p.E14Q) alteration is located in exon 2 (coding exon 1) of the MEF2C gene. This alteration results from a G to C substitution at nucleotide position 40, causing the glutamic acid (E) at amino acid position 14 to be replaced by a glutamine (Q). This variant was not reported in population-based cohorts in the Genome Aggregation Database (gnomAD). This amino acid position is highly conserved in available vertebrate species. This missense alteration is located in a region that has a low rate of benign missense variation (Lek, 2016; Firth, 2009). The in silico prediction for this alteration is inconclusive. Based on insufficient or conflicting evidence, the clinical significance of this alteration remains unclear.